The following is an entry in ClinVar:

NM_020937.4(FANCM):c.1064G>A (p.Gly355Asp)

Gene: FANCM (FA complementation group M; plus strand). Cytogenetic location: 14q21.2.
Variant type: single nucleotide variant.
Coding change: c.1064G>A on transcript NM_020937.4 (MANE Select); coding-DNA position 1064, G replaced by A.
Protein change: p.Gly355Asp; replaces glycine 355 with aspartic acid.
Molecular consequence: missense variant.
Genome position (GRCh38, 1-based): chr14:45,153,933, G>A. VCF-style: chr14-45153933-G-A. GRCh37 (hg19) VCF-style: chr14-45623136-G-A.
Other names: c.986G>A, p.Gly329Asp (NM_001308133.2); c.1064G>A, p.Gly355Asp (NM_001308134.2); short protein forms G329D, G355D.
Identifiers: ClinVar variation 1878724 (VCV001878724.4), dbSNP rs1441227418, ClinGen allele CA389590802.

ClinVar aggregate classification (germline): Uncertain significance. Review status: criteria provided, multiple submitters, no conflicts (2 of 4 stars). 3 submissions from 3 submitters: Uncertain significance (3). Last evaluated 2025-02-09.

Conditions:
Fanconi anemia (FA). Also called: Fanconi's anemia. Identifiers: Orphanet 84, MedGen C0015625, MeSH D005199, MONDO:0019391.
Inborn genetic diseases. Identifiers: MedGen C0950123, MeSH D030342.

Allele frequency attached by ClinVar (database versions not stated): gnomAD exomes below 0.00001.
gnomAD v4.1: 4 of 1,609,842 alleles (0.00025%); highest among the groups gnomAD compares: Admixed American, 0.0067%; no homozygotes.

Submissions (3):

Ambry Genetics
Classification: Uncertain significance for Inborn genetic diseases. Last evaluated: 2025-02-09. Review status: criteria provided, single submitter. Criteria: Ambry Variant Classification Scheme 2023. Collection method: clinical testing. Allele origin: germline.
Comment: The p.G355D variant (also known as c.1064G>A), located in coding exon 6 of the FANCM gene, results from a G to A substitution at nucleotide position 1064. The glycine at codon 355 is replaced by aspartic acid, an amino acid with similar properties. This amino acid position is conserved. In addition, the in silico prediction for this alteration is inconclusive. Based on the available evidence, the clinical significance of this variant remains unclear.

Labcorp Genetics (formerly Invitae), Labcorp
Classification: Uncertain significance for Fanconi anemia. Last evaluated: 2024-12-18. Review status: criteria provided, single submitter. Criteria: Invitae Variant Classification Sherloc (09022015). Collection method: clinical testing. Allele origin: germline.
Comment: This sequence change replaces glycine, which is neutral and non-polar, with aspartic acid, which is acidic and polar, at codon 355 of the FANCM protein (p.Gly355Asp). This variant is present in population databases (no rsID available, gnomAD 0.009%). This variant has not been reported in the literature in individuals affected with FANCM-related conditions. ClinVar contains an entry for this variant (Variation ID: 1878724). An algorithm developed to predict the effect of missense changes on protein structure and function (PolyPhen-2) suggests that this variant is likely to be disruptive. In summary, the available evidence is currently insufficient to determine the role of this variant in disease. Therefore, it has been classified as a Variant of Uncertain Significance.

GeneDx
Classification: Uncertain significance. Last evaluated: 2022-07-14. Review status: criteria provided, single submitter. Criteria: GeneDx Variant Classification Process June 2021. Collection method: clinical testing. Allele origin: germline. Affected: yes.
Comment: Not observed at significant frequency in large population cohorts (gnomAD); In silico analysis supports that this missense variant has a deleterious effect on protein structure/function; Has not been previously published as pathogenic or benign to our knowledge